The following is an entry in ClinVar:

NM_006136.3(CAPZA2):c.19del (p.Gln7fs)

Gene: CAPZA2 (capping actin protein of muscle Z-line subunit alpha 2; plus strand). Cytogenetic location: 7q31.2.
Variant type: Deletion.
Coding change: c.19del on transcript NM_006136.3 (MANE Select); coding-DNA position 19, one base deleted (C; older notation c.19delC).
Protein change: p.Gln7fs; shifts the reading frame from glutamine 7.
Molecular consequence: frameshift variant.
Genome position (GRCh38, 1-based): chr7:116,862,630, C deleted. VCF-style (leftmost placement, unchanged base first): chr7-116862629-GC-G. GRCh37 (hg19) VCF-style: chr7-116502683-GC-G.
Other names: short protein forms Q7fs.
Identifiers: ClinVar variation 3252957 (VCV003252957.1), dbSNP rs2485956193.

ClinVar aggregate classification (germline): Uncertain significance (1 of 4 stars; one submission).

Submission:

GeneDx
Classification: Uncertain significance. Last evaluated: 2023-10-12. Review status: criteria provided, single submitter. Criteria: GeneDx Variant Classification Process June 2021. Collection method: clinical testing. Allele origin: germline. Affected: yes.
Comment: Not observed at significant frequency in large population cohorts (gnomAD); Frameshift variant predicted to result in protein truncation or nonsense mediated decay in a gene for which loss-of-function is not an established mechanism of disease; Has not been previously published as pathogenic or benign to our knowledge